The following is an entry in ClinVar:

ClinVar aggregate classification (germline): Uncertain significance. Review status: criteria provided, multiple submitters, no conflicts (2 of 4 stars). 2 submissions from 2 submitters: Uncertain significance (2). Last evaluated 2026-01-06.

Conditions:
Hereditary nonpolyposis colorectal neoplasms. Identifiers: MedGen C0009405, MeSH D003123.
Hereditary cancer-predisposing syndrome. Also called: Neoplastic Syndromes, Hereditary; Tumor predisposition; Hereditary Cancer Syndrome; Hereditary neoplastic syndrome. Identifiers: Orphanet 140162, MedGen C0027672, MeSH D009386, MONDO:0015356.

Allele frequency attached by ClinVar (database versions not stated): gnomAD exomes below 0.00001.
gnomAD v4.1: 1 of 1,614,158 alleles (0.000062%); highest among the groups gnomAD compares: Non-Finnish European, 0.000085%; no homozygotes.

Submissions (2):

Ambry Genetics
Classification: Uncertain significance for Hereditary cancer-predisposing syndrome. Last evaluated: 2026-01-06. Review status: criteria provided, single submitter. Criteria: Ambry Variant Classification Scheme 2023. Collection method: clinical testing. Allele origin: germline.
Comment: The p.K479Q variant (also known as c.1435A>C), located in coding exon 4 of the MSH6 gene, results from an A to C substitution at nucleotide position 1435. The lysine at codon 479 is replaced by glutamine, an amino acid with similar properties. This amino acid position is conserved. In addition, this alteration is predicted to be deleterious by in silico analysis. Based on the available evidence, the clinical significance of this variant remains unclear.

Labcorp Genetics (formerly Invitae), Labcorp
Classification: Uncertain significance for Hereditary nonpolyposis colorectal neoplasms. Last evaluated: 2022-11-18. Review status: criteria provided, single submitter. Criteria: Invitae Variant Classification Sherloc (09022015). Collection method: clinical testing. Allele origin: germline.
Comment: In summary, the available evidence is currently insufficient to determine the role of this variant in disease. Therefore, it has been classified as a Variant of Uncertain Significance. Advanced modeling of protein sequence and biophysical properties (such as structural, functional, and spatial information, amino acid conservation, physicochemical variation, residue mobility, and thermodynamic stability) performed at Invitae indicates that this missense variant is expected to disrupt MSH6 protein function. ClinVar contains an entry for this variant (Variation ID: 1467382). This variant has not been reported in the literature in individuals affected with MSH6-related conditions. This variant is not present in population databases (gnomAD no frequency). This sequence change replaces lysine, which is basic and polar, with glutamine, which is neutral and polar, at codon 479 of the MSH6 protein (p.Lys479Gln).

NM_000179.3(MSH6):c.1435A>C (p.Lys479Gln)

Gene: MSH6 (mutS homolog 6; plus strand). Cytogenetic location: 2p16.3.
Variant type: single nucleotide variant.
Coding change: c.1435A>C on transcript NM_000179.3 (MANE Select); coding-DNA position 1435, A replaced by C.
Protein change: p.Lys479Gln; replaces lysine 479 with glutamine.
Molecular consequence: missense variant.
Genome position (GRCh38, 1-based): chr2:47,799,418, A>C. VCF-style: chr2-47799418-A-C. GRCh37 (hg19) VCF-style: chr2-48026557-A-C.
Other names: c.1045A>C, p.Lys349Gln (NM_001281492.2); c.529A>C, p.Lys177Gln (NM_001281493.2, NM_001281494.2); c.1435A>C (NM_000179.2); short protein forms K177Q, K349Q, K479Q.
Identifiers: ClinVar variation 1467382 (VCV001467382.8), dbSNP rs2104343819, ClinGen allele CA346745543.
Genomic context (GRCh38, chr2:47,799,418, plus strand): 5'-TCTGGCTTTCCTGAAATTGCATTTGGCCGTTATTCAGATTCCCTGGTGCAGAAGGGCTAT[A>C]AAGTAGCACGAGTGGAACAGACTGAGACTCCAGAAATGATGGAGGCACGATGTAGAAAGA-3'
Protein context (NP_000170.1, residues 469-489): YSDSLVQKGY[Lys479Gln]VARVEQTETP